The following is an entry in ClinVar:

NM_000726.5(CACNB4):c.616G>T (p.Val206Leu)

Gene: CACNB4 (calcium voltage-gated channel auxiliary subunit beta 4; minus strand). Cytogenetic location: 2q23.3.
Variant type: single nucleotide variant.
Coding change: c.616G>T on transcript NM_000726.5 (MANE Select); coding-DNA position 616, G replaced by T.
Protein change: p.Val206Leu; replaces valine 206 with leucine.
Molecular consequence: missense variant. On other transcripts: intron variant (4).
Genome position (GRCh38, 1-based): chr2:151,870,844, C>A on the plus strand (G>T on the coding strand, the complement: CACNB4 is on the minus strand). VCF-style: chr2-151870844-C-A. GRCh37 (hg19) VCF-style: chr2-152727358-C-A.
Other names: c.475G>T, p.Val159Leu (NM_001320722.3, NM_001330118.2); c.58G>T, p.Val20Leu (NM_001330117.2); c.545-233G>T (NM_001330113.2); c.497-233G>T (NM_001330115.2); c.458-233G>T (NM_001330116.2); c.-36-233G>T (NM_001330114.2); c.562G>T, p.Val188Leu (NM_001005746.4); c.514G>T, p.Val172Leu (NM_001005747.4); and 1 more; short protein forms V159L, V172L, V188L, V206L, V20L.
Identifiers: ClinVar variation 1059606 (VCV001059606.10), dbSNP rs1260619468, ClinGen allele CA348798217.

ClinVar aggregate classification (germline): Uncertain significance. Review status: criteria provided, multiple submitters, no conflicts (2 of 4 stars). 2 submissions from 2 submitters: Uncertain significance (2). Last evaluated 2022-11-17.

Conditions:
Idiopathic generalized epilepsy. Also called: EIG; Generalised epilepsy. Identifiers: MedGen C0270850, MONDO:0005579, OMIM 600669.

Allele frequency attached by ClinVar (database versions not stated): gnomAD exomes below 0.00001.
gnomAD v4.1: 3 of 1,602,586 alleles (0.00019%); highest among the groups gnomAD compares: Middle Eastern, 0.017%; no homozygotes.

Submissions (2):

Blueprint Genetics
Classification: Uncertain significance. Last evaluated: 2022-11-17. Review status: criteria provided, single submitter. Criteria: ACMG Guidelines, 2015. Collection method: clinical testing. Allele origin: germline.

Labcorp Genetics (formerly Invitae), Labcorp
Classification: Uncertain significance for Idiopathic generalized epilepsy. Last evaluated: 2020-05-21. Review status: criteria provided, single submitter. Criteria: Invitae Variant Classification Sherloc (09022015). Collection method: clinical testing. Allele origin: germline.
Comment: In summary, the available evidence is currently insufficient to determine the role of this variant in disease. Therefore, it has been classified as a Variant of Uncertain Significance. Algorithms developed to predict the effect of missense changes on protein structure and function are either unavailable or do not agree on the potential impact of this missense change (SIFT: "Tolerated"; PolyPhen-2: "Probably Damaging"; Align-GVGD: "Class C0"). This variant has not been reported in the literature in individuals with CACNB4-related conditions. This variant is not present in population databases (ExAC no frequency). This sequence change replaces valine with leucine at codon 206 of the CACNB4 protein (p.Val206Leu). The valine residue is weakly conserved and there is a small physicochemical difference between valine and leucine.